The following is an entry in ClinVar:

NM_004408.4(DNM1):c.2226C>T (p.Ile742=)

Gene: DNM1 (dynamin 1; plus strand). Cytogenetic location: 9q34.11.
Variant type: single nucleotide variant.
Coding change: c.2226C>T on transcript NM_004408.4 (MANE Select); coding-DNA position 2226, C replaced by T.
Protein change: p.Ile742=; no amino-acid change (isoleucine 742 retained).
Molecular consequence: synonymous variant.
Genome position (GRCh38, 1-based): chr9:128,250,264, C>T. VCF-style: chr9-128250264-C-T. GRCh37 (hg19) VCF-style: chr9-131012543-C-T.
Other names: c.2226C>T, p.Ile742= (NM_001005336.3, NM_001288737.2, NM_001288738.2 and 2 more transcripts).
Identifiers: ClinVar variation 1668026 (VCV001668026.30), dbSNP rs760982623, ClinGen allele CA5258438.

ClinVar aggregate classification (germline): Likely benign. Review status: criteria provided, multiple submitters, no conflicts (2 of 4 stars). 2 submissions from 2 submitters: Likely benign (2). Last evaluated 2024-05-15.

Conditions:
Developmental and epileptic encephalopathy, 31A. Also called: Epileptic encephalopathy, early infantile, 31; Developmental and epileptic encephalopathy, 31. Identifiers: Orphanet 2382, MedGen C4225357, MONDO:0014598, OMIM 616346.

Allele frequency attached by ClinVar (database versions not stated): gnomAD exomes 0.00003 and 0.00005; ExAC 0.00007.
gnomAD v4.1: 40 of 1,613,626 alleles (0.0025%); highest among the groups gnomAD compares: South Asian, 0.037%; 1 homozygote.

Submissions (2):

Labcorp Genetics (formerly Invitae), Labcorp
Classification: Likely benign for Developmental and epileptic encephalopathy, 31A. Last evaluated: 2024-05-15. Review status: criteria provided, single submitter. Criteria: Invitae Variant Classification Sherloc (09022015). Collection method: clinical testing. Allele origin: germline.

CeGaT Center for Human Genetics Tuebingen
Classification: Likely benign. Last evaluated: 2023-12-01. Review status: criteria provided, single submitter. Criteria: CeGaT Center For Human Genetics Tuebingen Variant Classification Criteria Version 2. Collection method: clinical testing. Allele origin: germline. Affected: yes. Observed: 1 variant allele.
Comment: DNM1: BP4, BP7